The following is an entry in ClinVar:

NM_015450.3(POT1):c.1537C>A (p.Gln513Lys)

Gene: POT1 (protection of telomeres 1; minus strand). Cytogenetic location: 7q31.33.
Variant type: single nucleotide variant.
Coding change: c.1537C>A on transcript NM_015450.3 (MANE Select); coding-DNA position 1537, C replaced by A.
Protein change: p.Gln513Lys; replaces glutamine 513 with lysine.
Molecular consequence: missense variant. On other transcripts: non-coding transcript variant (2).
Genome position (GRCh38, 1-based): chr7:124,829,311, G>T on the plus strand (C>A on the coding strand, the complement: POT1 is on the minus strand). VCF-style: chr7-124829311-G-T. GRCh37 (hg19) VCF-style: chr7-124469365-G-T.
Other names: c.1144C>A, p.Gln382Lys (NM_001042594.2); short protein forms Q382K, Q513K.
Identifiers: ClinVar variation 1774737 (VCV001774737.2), dbSNP rs1794704627, ClinGen allele CA369064556.

ClinVar aggregate classification (germline): Uncertain significance (1 of 4 stars; one submission).

Conditions:
Hereditary cancer-predisposing syndrome. Also called: Hereditary Cancer Syndrome; Hereditary neoplastic syndrome; Neoplastic Syndromes, Hereditary; Tumor predisposition. Identifiers: Orphanet 140162, MedGen C0027672, MeSH D009386, MONDO:0015356.

Allele frequency attached by ClinVar (database versions not stated): TOPMed below 0.00001.

Submission:

Ambry Genetics
Classification: Uncertain significance for Hereditary cancer-predisposing syndrome. Last evaluated: 2022-07-23. Review status: criteria provided, single submitter. Criteria: Ambry Variant Classification Scheme 2023. Collection method: clinical testing. Allele origin: germline.
Comment: The p.Q513K variant (also known as c.1537C>A), located in coding exon 12 of the POT1 gene, results from a C to A substitution at nucleotide position 1537. The glutamine at codon 513 is replaced by lysine, an amino acid with similar properties. This amino acid position is conserved. In addition, this alteration is predicted to be tolerated by in silico analysis. Since supporting evidence is limited at this time, the clinical significance of this alteration remains unclear.